The following is an entry in ClinVar:

NM_000368.5(TSC1):c.1305A>T (p.Gln435His)

Gene: TSC1 (TSC complex subunit 1; minus strand). Cytogenetic location: 9q34.13.
Variant type: single nucleotide variant.
Coding change: c.1305A>T on transcript NM_000368.5 (MANE Select); coding-DNA position 1305, A replaced by T.
Protein change: p.Gln435His; replaces glutamine 435 with histidine.
Molecular consequence: missense variant. On other transcripts: non-coding transcript variant (5).
Genome position (GRCh38, 1-based): chr9:132,907,329, T>A on the plus strand (A>T on the coding strand, the complement: TSC1 is on the minus strand). VCF-style: chr9-132907329-T-A. GRCh37 (hg19) VCF-style: chr9-135782716-T-A.
Other names: c.1305A>T, p.Gln435His (NM_001406595.1, NM_001406596.1, NM_001406601.1 and 7 more transcripts); c.1302A>T, p.Gln434His (NM_001406597.1, NM_001406598.1, NM_001406599.1 and 6 more transcripts); c.1152A>T, p.Gln384His (NM_001406610.1, NM_001162427.2); c.1149A>T, p.Gln383His (NM_001406611.1, NM_001406612.1, NM_001406613.1); c.942A>T, p.Gln314His (NM_001406614.1, NM_001406615.1, NM_001406616.1 and 5 more transcripts); c.939A>T, p.Gln313His (NM_001406620.1, NM_001406621.1, NM_001406622.1 and 2 more transcripts); c.354A>T, p.Gln118His (NM_001406626.1); c.351A>T, p.Gln117His (NM_001406627.1, NM_001406628.1); and 1 more; short protein forms Q383H, Q434H, Q84H, Q117H, Q118H, Q313H, Q314H, Q384H.
Identifiers: ClinVar variation 4554203 (VCV004554203.1).

ClinVar aggregate classification (germline): Uncertain significance (1 of 4 stars; one submission).

Conditions:
Hereditary cancer-predisposing syndrome. Also called: Tumor predisposition; Hereditary Cancer Syndrome; Hereditary neoplastic syndrome; Neoplastic Syndromes, Hereditary. Identifiers: Orphanet 140162, MedGen C0027672, MeSH D009386, MONDO:0015356.

Submission:

Ambry Genetics
Classification: Uncertain significance for Hereditary cancer-predisposing syndrome. Last evaluated: 2025-10-09. Review status: criteria provided, single submitter. Criteria: Ambry Variant Classification Scheme 2023. Collection method: clinical testing. Allele origin: germline.
Comment: The p.Q435H variant (also known as c.1305A>T), located in coding exon 11 of the TSC1 gene, results from an A to T substitution at nucleotide position 1305. The glutamine at codon 435 is replaced by histidine, an amino acid with highly similar properties. This amino acid position is conserved. In addition, this alteration is predicted to be tolerated by in silico analysis. Based on the available evidence, the clinical significance of this variant remains unclear.